The following is an entry in ClinVar:

NM_006767.4(LZTR1):c.588C>T (p.Asn196=)

Gene: LZTR1 (leucine zipper like post translational regulator 1; plus strand). Cytogenetic location: 22q11.21.
Variant type: single nucleotide variant.
Coding change: c.588C>T on transcript NM_006767.4 (MANE Select); coding-DNA position 588, C replaced by T.
Protein change: p.Asn196=; no amino-acid change (asparagine 196 retained).
Molecular consequence: synonymous variant.
Genome position (GRCh38, 1-based): chr22:20,988,867, C>T. VCF-style: chr22-20988867-C-T. GRCh37 (hg19) VCF-style: chr22-21343156-C-T.
Identifiers: ClinVar variation 984508 (VCV000984508.14), dbSNP rs752462405, ClinGen allele CA10118496.
Genomic context (GRCh38, chr22:20,988,867, plus strand): 5'-AGCCCATGGGGCCACGGTGTACAGTGACAAGCTGTGGATCTTTGCTGGCTATGACGGCAA[C>T]GCCAGGTGGGTGGTGGTCCGGCCTGTGCACCCCACCTCCGACAGCACTGAGACCCGGAGC-3'
Protein context (NP_006758.2, residues 186-206): KLWIFAGYDG[Asn196=]ARLNDMWTIG

ClinVar aggregate classification (germline): Likely benign. Review status: criteria provided, multiple submitters, no conflicts (2 of 4 stars). 4 submissions from 4 submitters: Likely benign (3). 1 of the submissions does not count toward it. Last evaluated 2026-01-26.

Conditions:
LZTR1-related disorder. Also called: LZTR1-related disorders; LZTR1-related condition.
Hereditary cancer-predisposing syndrome. Also called: Hereditary Cancer Syndrome; Neoplastic Syndromes, Hereditary; Tumor predisposition; Hereditary neoplastic syndrome. Identifiers: Orphanet 140162, MedGen C0027672, MeSH D009386, MONDO:0015356.
Cardiovascular phenotype. Identifiers: MedGen CN230736.

Allele frequency attached by ClinVar (database versions not stated): ExAC 0.00001; gnomAD 0.00001 and 0.00002; TOPMed 0.00001; gnomAD exomes 0.00003.
gnomAD v4.1: 41 of 1,613,620 alleles (0.0025%); highest among the groups gnomAD compares: Admixed American, 0.023%; no homozygotes.

Submissions (4):

Labcorp Genetics (formerly Invitae), Labcorp
Classification: Likely benign. Last evaluated: 2026-01-26. Review status: criteria provided, single submitter. Criteria: Invitae Variant Classification Sherloc (09022015). Collection method: clinical testing. Allele origin: germline.

Ambry Genetics
Classification: Likely benign for Cardiovascular phenotype; Hereditary cancer-predisposing syndrome. Last evaluated: 2020-11-23. Review status: criteria provided, single submitter. Criteria: Ambry Variant Classification Scheme 2023. Collection method: clinical testing. Allele origin: germline.

Women's Health and Genetics/Laboratory Corporation of America, LabCorp
Classification: Likely benign. Last evaluated: 2020-10-08. Review status: criteria provided, single submitter. Criteria: LabCorp Variant Classification Summary - May 2015. Collection method: clinical testing. Allele origin: germline.

PreventionGenetics, part of Exact Sciences
Classification: Likely benign for LZTR1-related condition. Last evaluated: 2020-10-15. Review status: no assertion criteria provided. Collection method: clinical testing. Allele origin: germline. Not counted in ClinVar's aggregate classification.
Comment: This variant is classified as likely benign based on ACMG/AMP sequence variant interpretation guidelines (Richards et al. 2015 PMID: 25741868, with internal and published modifications).